The following is an entry in ClinVar:

NC_000016.10:g.(?_86685)_(86890_?)dup

Gene: NPRL3 (NPR3 like, GATOR1 complex subunit; minus strand). Cytogenetic location: 16p13.3.
Variant type: Duplication.
Identifiers: ClinVar variation 831649 (VCV000831649.1).

ClinVar aggregate classification (germline): Uncertain significance (1 of 4 stars; one submission).

Conditions:
Epilepsy, familial focal, with variable foci 3 (FFEVF3). Identifiers: MedGen C4310708, MONDO:0014925, OMIM 617118.

Submission:

Labcorp Genetics (formerly Invitae), Labcorp
Classification: Uncertain significance for Epilepsy, familial focal, with variable foci 3. Last evaluated: 2019-07-12. Review status: criteria provided, single submitter. Criteria: Invitae Variant Classification Sherloc (09022015). Collection method: clinical testing. Allele origin: germline.
Comment: This variant results in a copy number gain of the genomic region encompassing exon 14 of the NPRL3 gene. The 5' boundary is likely confined to intron 13. The 3' end of this event is unknown as it extends beyond the assayed region for this gene and therefore may encompass additional genes. As the precise location of this event is unknown, it may be in tandem or it may be located elsewhere in the genome. This variant has not been reported in the literature in individuals with NPRL3-related conditions. In summary, the available evidence is currently insufficient to determine the role of this variant in disease. Therefore, it has been classified as a Variant of Uncertain Significance.